The following is an entry in ClinVar:

ClinVar aggregate classification (germline): Uncertain significance. Review status: criteria provided, multiple submitters, no conflicts (2 of 4 stars). 5 submissions from 5 submitters: Uncertain significance (5). Last evaluated 2026-04-02.

Conditions:
Inborn genetic diseases. Identifiers: MedGen C0950123, MeSH D030342.
PLEC-related disorder. Also called: PLEC-related condition; PLEC-related disorders.
Autosomal recessive limb-girdle muscular dystrophy type 2Q (LGMDR17). Also called: MUSCULAR DYSTROPHY, LIMB-GIRDLE, AUTOSOMAL RECESSIVE 17. Identifiers: Orphanet 254361, MedGen C3150989, MONDO:0013390, OMIM 613723.
Epidermolysis bullosa simplex 5B, with muscular dystrophy (EBS5B). Also called: EPIDERMOLYSIS BULLOSA SIMPLEX AND LIMB-GIRDLE MUSCULAR DYSTROPHY; Epidermolysis bullosa simplex with muscular dystrophy. Identifiers: Orphanet 257, MedGen C2931072, MONDO:0009181, OMIM 226670.
Epidermolysis bullosa simplex, Ogna type (EBS5A). Also called: Pidermolysis bullosa simplex 5A, Ogna type; EPIDERMOLYSIS BULLOSA SIMPLEX 5A, OGNA TYPE. Identifiers: Orphanet 79401, MedGen C0432317, MONDO:0007555, OMIM 131950.
Epidermolysis bullosa simplex with nail dystrophy (EBS5D). Identifiers: MedGen C4225309, MONDO:0014661, OMIM 616487.
Epidermolysis bullosa simplex 5C, with pyloric atresia (EBS5C). Also called: PLEC-Related Epidermolysis Bullosa with Pyloric Atresia; Epidermolysis bullosa simplex with pyloric atresia; PLEC1-Related Epidermolysis Bullosa with Pyloric Atresia. Identifiers: Orphanet 158684, MedGen C2677349, MONDO:0012807, OMIM 612138.

Allele frequency attached by ClinVar (database versions not stated): ESP Exome Variant Server 0.00008; ExAC 0.00013; TOPMed 0.00006.
gnomAD v4.1: 177 of 1,612,944 alleles (0.011%); highest among the groups gnomAD compares: Non-Finnish European, 0.013%; no homozygotes.

Submissions (5):

PreventionGenetics, part of Exact Sciences
Classification: Uncertain significance for PLEC-related condition. Last evaluated: 2026-04-02. Review status: criteria provided, single submitter. Criteria: ACMG Guidelines, 2015. Collection method: clinical testing. Allele origin: germline.
Comment: The PLEC c.4001C>T variant is predicted to result in the amino acid substitution p.Ser1334Leu. To our knowledge, this variant has not been reported in the literature. This variant is reported in 0.016% of alleles in individuals of European (Non-Finnish) descent in gnomAD. At this time, the clinical significance of this variant is uncertain due to the absence of conclusive functional and genetic evidence.

Ambry Genetics
Classification: Uncertain significance for Inborn genetic diseases. Last evaluated: 2025-05-19. Review status: criteria provided, single submitter. Criteria: Ambry Variant Classification Scheme 2023. Collection method: clinical testing. Allele origin: germline.

Labcorp Genetics (formerly Invitae), Labcorp
Classification: Uncertain significance for Autosomal recessive limb-girdle muscular dystrophy type 2Q; Epidermolysis bullosa simplex, Ogna type; Epidermolysis bullosa simplex with nail dystrophy; Epidermolysis bullosa simplex 5C, with pyloric atresia; Epidermolysis bullosa simplex 5B, with muscular dystrophy. Last evaluated: 2025-05-07. Review status: criteria provided, single submitter. Criteria: Invitae Variant Classification Sherloc (09022015). Collection method: clinical testing. Allele origin: germline.
Comment: This sequence change replaces serine, which is neutral and polar, with leucine, which is neutral and non-polar, at codon 1334 of the PLEC protein (p.Ser1334Leu). This variant is present in population databases (rs199796047, gnomAD 0.02%). This variant has not been reported in the literature in individuals affected with PLEC-related conditions. ClinVar contains an entry for this variant (Variation ID: 502145). Invitae Evidence Modeling of protein sequence and biophysical properties (such as structural, functional, and spatial information, amino acid conservation, physicochemical variation, residue mobility, and thermodynamic stability) has been performed for this missense variant. However, the output from this modeling did not meet the statistical confidence thresholds required to predict the impact of this variant on PLEC protein function. In summary, the available evidence is currently insufficient to determine the role of this variant in disease. Therefore, it has been classified as a Variant of Uncertain Significance.

Revvity Omics, Revvity
Classification: Uncertain significance. Last evaluated: 2024-12-20. Review status: criteria provided, single submitter. Criteria: ACMG Guidelines, 2015. Collection method: clinical testing. Allele origin: germline.

Eurofins Ntd Llc (ga)
Classification: Uncertain significance. Last evaluated: 2017-05-23. Review status: criteria provided, single submitter. Criteria: EGL Classification Definitions 2015. Collection method: clinical testing. Allele origin: germline. Observed: 1 variant allele, 1 heterozygote.

NM_201384.3(PLEC):c.3920C>T (p.Ser1307Leu)

Gene: PLEC (plectin; minus strand). Cytogenetic location: 8q24.3.
Variant type: single nucleotide variant.
Coding change: c.3920C>T on transcript NM_201384.3 (MANE Select); coding-DNA position 3920, C replaced by T.
Protein change: p.Ser1307Leu; replaces serine 1307 with leucine.
Molecular consequence: missense variant.
Genome position (GRCh38, 1-based): chr8:143,927,002, G>A on the plus strand (C>T on the coding strand, the complement: PLEC is on the minus strand). VCF-style: chr8-143927002-G-A. GRCh37 (hg19) VCF-style: chr8-145001170-G-A.
Other names: c.4001C>T (NM_000445.3); c.4001C>T, p.Ser1334Leu (NM_000445.5); c.3878C>T, p.Ser1293Leu (NM_201378.4); c.3854C>T, p.Ser1285Leu (NM_201379.3); c.4331C>T, p.Ser1444Leu (NM_201380.4); c.3824C>T, p.Ser1275Leu (NM_201381.3); c.3920C>T, p.Ser1307Leu (NM_201382.4); c.3932C>T, p.Ser1311Leu (NM_201383.3); short protein forms S1275L, S1285L, S1293L, S1307L, S1311L, S1334L, S1444L.
Identifiers: ClinVar variation 502145 (VCV000502145.15), dbSNP rs199796047, ClinGen allele CA4926854.